The following is an entry in ClinVar:

NM_006031.6(PCNT):c.5058G>T (p.Gln1686His)

Gene: PCNT (pericentrin; plus strand). Cytogenetic location: 21q22.3.
Variant type: single nucleotide variant.
Coding change: c.5058G>T on transcript NM_006031.6 (MANE Select); coding-DNA position 5058, G replaced by T.
Protein change: p.Gln1686His; replaces glutamine 1686 with histidine.
Molecular consequence: missense variant.
Genome position (GRCh38, 1-based): chr21:46,402,426, G>T. VCF-style: chr21-46402426-G-T. GRCh37 (hg19) VCF-style: chr21-47822340-G-T.
Other names: c.4704G>T, p.Gln1568His (NM_001315529.2); short protein forms Q1568H, Q1686H.
Identifiers: ClinVar variation 4133327 (VCV004133327.2).

ClinVar aggregate classification (germline): Uncertain significance. Review status: criteria provided, multiple submitters, no conflicts (2 of 4 stars). 2 submissions from 2 submitters: Uncertain significance (2). Last evaluated 2026-05-12.

Conditions:
PCNT-related disorder. Also called: PCNT-related condition.
Inborn genetic diseases. Identifiers: MedGen C0950123, MeSH D030342.

gnomAD v4.1: 13 of 1,613,874 alleles (0.00081%); highest among the groups gnomAD compares: African/African-American, 0.017%; no homozygotes.

Submissions (2):

PreventionGenetics, part of Exact Sciences
Classification: Uncertain significance for PCNT-related condition. Last evaluated: 2026-05-12. Review status: criteria provided, single submitter. Criteria: ACMG Guidelines, 2015. Collection method: clinical testing. Allele origin: germline.
Comment: The PCNT c.5058G>T variant is predicted to result in the amino acid substitution p.Gln1686His. To our knowledge, this variant has not been reported in the literature. This variant is reported in 0.024% of alleles in individuals of African descent in gnomAD. At this time, the clinical significance of this variant is uncertain due to the absence of conclusive functional and genetic evidence.

Ambry Genetics
Classification: Uncertain significance for Inborn genetic diseases. Last evaluated: 2025-06-29. Review status: criteria provided, single submitter. Criteria: Ambry Variant Classification Scheme 2023. Collection method: clinical testing. Allele origin: germline.